The following is an entry in ClinVar:

NM_022916.6(VPS33A):c.398C>T (p.Ser133Phe)

Gene: VPS33A (VPS33A core subunit of CORVET and HOPS complexes; minus strand). Cytogenetic location: 12q24.31.
Variant type: single nucleotide variant.
Coding change: c.398C>T on transcript NM_022916.6 (MANE Select); coding-DNA position 398, C replaced by T.
Protein change: p.Ser133Phe; replaces serine 133 with phenylalanine.
Molecular consequence: missense variant.
Genome position (GRCh38, 1-based): chr12:122,261,346, G>A on the plus strand (C>T on the coding strand, the complement: VPS33A is on the minus strand). VCF-style: chr12-122261346-G-A. GRCh37 (hg19) VCF-style: chr12-122745893-G-A.
Other names: c.365C>T, p.Ser122Phe (NM_001351018.2); c.350C>T, p.Ser117Phe (NM_001351019.2); c.398C>T, p.Ser133Phe (NM_001351020.2, NM_001351021.2); short protein forms S122F, S117F, S133F.
Identifiers: ClinVar variation 2011079 (VCV002011079.4), dbSNP rs779315624, ClinGen allele CA6844611.

ClinVar aggregate classification (germline): Uncertain significance (1 of 4 stars; one submission).

Allele frequency attached by ClinVar (database versions not stated): gnomAD exomes below 0.00001; ExAC 0.00001.
gnomAD v4.1: 2 of 1,613,934 alleles (0.00012%); highest among the groups gnomAD compares: Non-Finnish European, 0.00017%; no homozygotes.

Submission:

Labcorp Genetics (formerly Invitae), Labcorp
Classification: Uncertain significance. Last evaluated: 2022-06-26. Review status: criteria provided, single submitter. Criteria: Invitae Variant Classification Sherloc (09022015). Collection method: clinical testing. Allele origin: germline.
Comment: In summary, the available evidence is currently insufficient to determine the role of this variant in disease. Therefore, it has been classified as a Variant of Uncertain Significance. This sequence change replaces serine, which is neutral and polar, with phenylalanine, which is neutral and non-polar, at codon 133 of the VPS33A protein (p.Ser133Phe). This variant is present in population databases (rs779315624, gnomAD 0.0009%). This variant has not been reported in the literature in individuals affected with VPS33A-related conditions. Algorithms developed to predict the effect of missense changes on protein structure and function are either unavailable or do not agree on the potential impact of this missense change (SIFT: "Deleterious"; PolyPhen-2: "Probably Damaging"; Align-GVGD: "Class C0").